The following is an entry in ClinVar:

ClinVar aggregate classification (germline): Pathogenic (1 of 4 stars; one submission).

Conditions:
Liver disease, severe congenital (SCOLIV). Also called: FOCAD DEFICIENCY. Identifiers: MedGen C5774195, MONDO:0859273, OMIM 619991.

gnomAD v4.1: 4 of 1,470,160 alleles (0.00027%); highest among the groups gnomAD compares: African/African-American, 0.0058%; no homozygotes.

Submission:

DNA-diagnostics Laboratory, Research Centre For Medical Genetics
Classification: Pathogenic for Liver disease, severe congenital. Last evaluated: 2025-06-18. Review status: criteria provided, single submitter. Criteria: ACMG Guidelines, 2015. Collection method: clinical testing. Allele origin: germline. Inheritance: Autosomal recessive inheritance. Affected: yes. Observed: 1 homozygote.
Comment: The identified nucleotide sequence variant is registered in the control sample of the Genome Aggregation Database (gnomAD v.3.1.2) with an allele frequency of 0.00001317%. According to in silico prediction using the SpliceAI tool, the c.1455+1G>T variant is expected to abolish the canonical donor splice site and activate a cryptic donor site within intron 11, resulting in a 36-nucleotide (12-amino acid) in-frame deletion. To experimentally assess its impact on mRNA processing, reverse transcription PCR (RT-PCR) was performed using RNA extracted from patient-derived skin fibroblasts, followed by deep sequencing of the amplified products. At the protein level, this splicing defect results in a 12-amino acid deletion (p.(Thr475_Val486del)), leading to the loss of two alpha-helices that form part of the alpha-helical repeat domain. This structural alteration is predicted to impair the functional integrity of the protein.

NM_001375567.1(FOCAD):c.1560+1G>T

Gene: FOCAD (focadhesin; plus strand). Cytogenetic location: 9p21.3.
Variant type: single nucleotide variant.
Coding change: c.1560+1G>T on transcript NM_001375567.1 (MANE Select); the canonical splice donor site of the intron after coding-DNA position 1560, G replaced by T.
Molecular consequence: splice donor variant. On other transcripts: intron variant (1).
Genome position (GRCh38, 1-based): chr9:20,819,901, G>T. VCF-style: chr9-20819901-G-T. GRCh37 (hg19) VCF-style: chr9-20819900-G-T.
Other names: c.1560+1G>T (NM_017794.5); c.1456-423G>T (NM_001375568.1); c.1455+1G>T (NM_001375570.1).
Identifiers: ClinVar variation 3906956 (VCV003906956.1).